The following is an entry in ClinVar:

ClinVar aggregate classification (germline): Likely benign. Review status: criteria provided, multiple submitters, no conflicts (2 of 4 stars). 3 submissions from 3 submitters: Likely benign (3). Last evaluated 2026-05-01.

Conditions:
Chédiak-Higashi syndrome (CHS). Also called: Chediak-Higashi Syndrome. Identifiers: Orphanet 167, MedGen C0007965, MONDO:0008963, OMIM 214500.

Allele frequency attached by ClinVar (database versions not stated): gnomAD exomes below 0.00001.
gnomAD v4.1: 3 of 1,614,078 alleles (0.00019%); highest among the groups gnomAD compares: Non-Finnish European, 0.00025%; no homozygotes.

Submissions (3):

CeGaT Center for Human Genetics Tuebingen
Classification: Likely benign. Last evaluated: 2026-05-01. Review status: criteria provided, single submitter. Criteria: CeGaT Center For Human Genetics Tuebingen Variant Classification Criteria Version 2. Collection method: clinical testing. Allele origin: germline. Affected: yes. Observed: 1 variant allele.
Comment: LYST: BP4, BP7

Blueprint Genetics
Classification: Likely benign. Last evaluated: 2024-08-06. Review status: criteria provided, single submitter. Criteria: ACMG Guidelines, 2015. Collection method: clinical testing. Allele origin: germline.

Labcorp Genetics (formerly Invitae), Labcorp
Classification: Likely benign for Chédiak-Higashi syndrome. Last evaluated: 2024-05-10. Review status: criteria provided, single submitter. Criteria: Invitae Variant Classification Sherloc (09022015). Collection method: clinical testing. Allele origin: germline.

NM_000081.4(LYST):c.1797T>C (p.Phe599=)

Gene: LYST (lysosomal trafficking regulator; minus strand). Cytogenetic location: 1q42.3.
Variant type: single nucleotide variant.
Coding change: c.1797T>C on transcript NM_000081.4 (MANE Select); coding-DNA position 1797, T replaced by C.
Protein change: p.Phe599=; no amino-acid change (phenylalanine 599 retained).
Molecular consequence: synonymous variant.
Genome position (GRCh38, 1-based): chr1:235,809,021, A>G on the plus strand (T>C on the coding strand, the complement: LYST is on the minus strand). VCF-style: chr1-235809021-A-G. GRCh37 (hg19) VCF-style: chr1-235972321-A-G.
Other names: c.1797T>C, p.Phe599= (NM_001301365.1).
Identifiers: ClinVar variation 2884010 (VCV002884010.6), dbSNP rs1558281797, ClinGen allele CA424027952.
Genomic context (GRCh38, chr1:235,809,021, plus strand): 5'-AATAAGTTTGTTAAGGATATTCAATATATGCTGCTGAAAATTTTTCAGTGCTGGCAATTT[A>G]AAAGCATGGAGCAAAGGAATGATTACAGATTTGGGATCCATACAACAGCATATTCCAATG-3'
Protein context (NP_000072.2, residues 589-609): KSVIIPLLHA[Phe599=]KLPALKNFQQ